The following is an entry in ClinVar:

NM_005422.4(TECTA):c.1075C>A (p.Pro359Thr)

Genes: TBCEL-TECTA (TBCEL-TECTA readthrough; plus strand), TECTA (tectorin alpha; plus strand). Cytogenetic location: 11q23.3.
Variant type: single nucleotide variant.
Coding change: c.1075C>A on transcript NM_005422.4 (MANE Select); coding-DNA position 1075, C replaced by A.
Protein change: p.Pro359Thr; replaces proline 359 with threonine.
Molecular consequence: missense variant.
Genome position (GRCh38, 1-based): chr11:121,118,590, C>A. VCF-style: chr11-121118590-C-A. GRCh37 (hg19) VCF-style: chr11-120989299-C-A.
Other names: c.2032C>A, p.Pro678Thr (NM_001378761.1); short protein forms P359T, P678T.
Identifiers: ClinVar variation 2549793 (VCV002549793.3), dbSNP rs1946524019, ClinGen allele CA383008455.

ClinVar aggregate classification (germline): Uncertain significance (1 of 4 stars; one submission).

Conditions:
Inborn genetic diseases. Identifiers: MedGen C0950123, MeSH D030342.

Allele frequency attached by ClinVar (database versions not stated): TOPMed below 0.00001; gnomAD exomes 0.00001.
gnomAD v4.1: 6 of 1,614,212 alleles (0.00037%); highest among the groups gnomAD compares: Non-Finnish European, 0.00051%; no homozygotes.

Submission:

Ambry Genetics
Classification: Uncertain significance for Inborn genetic diseases. Last evaluated: 2023-07-03. Review status: criteria provided, single submitter. Criteria: Ambry Variant Classification Scheme 2023. Collection method: clinical testing. Allele origin: germline.
Comment: The c.1075C>A (p.P359T) alteration is located in exon 6 (coding exon 6) of the TECTA gene. This alteration results from a C to A substitution at nucleotide position 1075, causing the proline (P) at amino acid position 359 to be replaced by a threonine (T). This variant was not reported in population-based cohorts in the Genome Aggregation Database (gnomAD). This amino acid position is highly conserved in available vertebrate species. The in silico prediction for this alteration is inconclusive. Based on insufficient or conflicting evidence, the clinical significance of this alteration remains unclear.